The following is an entry in ClinVar:

ClinVar aggregate classification (germline): Uncertain significance (1 of 4 stars; one submission).

Conditions:
Mendelian susceptibility to mycobacterial diseases due to complete IL12RB1 deficiency. Also called: IL12RB1 DEFICIENCY; Immunodeficiency 30. Identifiers: Orphanet 319552, MedGen C4013949, MONDO:0013955, OMIM 614891.

Allele frequency attached by ClinVar (database versions not stated): ExAC 0.00001; gnomAD 0.00001; 1000 Genomes Project 30x 0.00016; 1000 Genomes Project 0.00020.
gnomAD v4.1: 1 of 1,613,702 alleles (0.000062%); highest among the groups gnomAD compares: East Asian, 0.0022%; no homozygotes.

Submission:

Labcorp Genetics (formerly Invitae), Labcorp
Classification: Uncertain significance for Mendelian susceptibility to mycobacterial diseases due to complete IL12RB1 deficiency. Last evaluated: 2022-05-21. Review status: criteria provided, single submitter. Criteria: Invitae Variant Classification Sherloc (09022015). Collection method: clinical testing. Allele origin: germline.
Comment: This sequence change replaces glycine, which is neutral and non-polar, with cysteine, which is neutral and slightly polar, at codon 68 of the IL12RB1 protein (p.Gly68Cys). This variant is present in population databases (rs538026254, gnomAD 0.006%). This variant has not been reported in the literature in individuals affected with IL12RB1-related conditions. Algorithms developed to predict the effect of missense changes on protein structure and function are either unavailable or do not agree on the potential impact of this missense change (SIFT: "Deleterious"; PolyPhen-2: "Probably Damaging"; Align-GVGD: "Class C0"). In summary, the available evidence is currently insufficient to determine the role of this variant in disease. Therefore, it has been classified as a Variant of Uncertain Significance.

NM_005535.3(IL12RB1):c.202G>T (p.Gly68Cys)

Gene: IL12RB1 (interleukin 12 receptor subunit beta 1; minus strand). Cytogenetic location: 19p13.11.
Variant type: single nucleotide variant.
Coding change: c.202G>T on transcript NM_005535.3 (MANE Select); coding-DNA position 202, G replaced by T.
Protein change: p.Gly68Cys; replaces glycine 68 with cysteine.
Molecular consequence: missense variant.
Genome position (GRCh38, 1-based): chr19:18,082,187, C>A on the plus strand (G>T on the coding strand, the complement: IL12RB1 is on the minus strand). VCF-style: chr19-18082187-C-A. GRCh37 (hg19) VCF-style: chr19-18192997-C-A.
Other names: c.202G>T, p.Gly68Cys (NM_001290023.2, NM_153701.3); c.322G>T, p.Gly108Cys (NM_001290024.2); short protein forms G68C, G108C.
Identifiers: ClinVar variation 1997219 (VCV001997219.1), dbSNP rs538026254, ClinGen allele CA9305306.